The following is an entry in ClinVar:

ClinVar aggregate classification (germline): Likely benign (1 of 4 stars; one submission).

Allele frequency attached by ClinVar (database versions not stated): ExAC 0.00064; gnomAD exomes 0.00032; gnomAD 0.00045; TOPMed 0.00054; ESP Exome Variant Server 0.00057.

Submission:

CeGaT Center for Human Genetics Tuebingen
Classification: Likely benign. Last evaluated: 2023-04-01. Review status: criteria provided, single submitter. Criteria: CeGaT Center For Human Genetics Tuebingen Variant Classification Criteria Version 2. Collection method: clinical testing. Allele origin: germline. Affected: yes. Observed: 1 variant allele.
Comment: LANCL3: BP4, BP7, BS2

NM_001170331.2(LANCL3):c.942G>A (p.Pro314=)

Gene: LANCL3 (LanC like family member 3; plus strand). Cytogenetic location: Xp21.1.
Variant type: single nucleotide variant.
Coding change: c.942G>A on transcript NM_001170331.2 (MANE Select); coding-DNA position 942, G replaced by A.
Protein change: p.Pro314=; no amino-acid change (proline 314 retained).
Molecular consequence: synonymous variant.
Genome position (GRCh38, 1-based): chrX:37,667,328, G>A. VCF-style: chrX-37667328-G-A. GRCh37 (hg19) VCF-style: chrX-37526581-G-A.
Other names: c.942G>A, p.Pro314= (NM_198511.3).
Identifiers: ClinVar variation 2660284 (VCV002660284.24), dbSNP rs139254515, ClinGen allele CA10383444.
Genomic context (GRCh38, chrX:37,667,328, plus strand): 5'-TGATGTTTTCACAGGAATTGCCTATCTGTTTGCCAAAGCTTATCTGGTTTCCAAGAAACC[G>A]CAGTACCTGGACACATGTATTCGGTGTGGGGAACTCACATGGCAGAAAGGCCTGCTAAAG-3'
Protein context (NP_001163802.1, residues 304-324): FAKAYLVSKK[Pro314=]QYLDTCIRCG